The following is an entry in ClinVar:

NM_001010867.4(IBA57):c.77C>T (p.Ala26Val)

Gene: IBA57 (iron-sulfur cluster assembly factor IBA57; plus strand). Cytogenetic location: 1q42.13.
Variant type: single nucleotide variant.
Coding change: c.77C>T on transcript NM_001010867.4 (MANE Select); coding-DNA position 77, C replaced by T.
Protein change: p.Ala26Val; replaces alanine 26 with valine.
Molecular consequence: missense variant.
Genome position (GRCh38, 1-based): chr1:228,165,893, C>T. VCF-style: chr1-228165893-C-T. GRCh37 (hg19) VCF-style: chr1-228353594-C-T.
Other names: p.Ala26Val; short protein forms A26V.
Identifiers: ClinVar variation 3527344 (VCV003527344.2).
Genomic context (GRCh38, chr1:228,165,893, plus strand): 5'-TGCTTCGAGGCGCCACTCCGGGGCGCGGCGGCCCGGTCTGGCGCTGGCGGCTGCGCGCGG[C>T]CCCAAGGTGCCGCCTGGCCCACAGCTCCTGCAGTCCTGGTGGCGACCCAACGGCCGGAGC-3'
Protein context (NP_001010867.1, residues 16-36): GPVWRWRLRA[Ala26Val]PRCRLAHSSC

ClinVar aggregate classification (germline): Uncertain significance. Review status: criteria provided, multiple submitters, no conflicts (2 of 4 stars). 2 submissions from 2 submitters: Uncertain significance (2). Last evaluated 2025-10-01.

Conditions:
Inborn genetic diseases. Identifiers: MedGen C0950123, MeSH D030342.

gnomAD v4.1: 11 of 1,400,606 alleles (0.00079%); highest among the groups gnomAD compares: African/African-American, 0.012%; no homozygotes.

Submissions (2):

Mayo Clinic Laboratories, Mayo Clinic
Classification: Uncertain significance. Last evaluated: 2025-10-01. Review status: criteria provided, single submitter. Criteria: ACMG Guidelines, 2015. Collection method: clinical testing. Allele origin: germline. Observed: 1 variant allele.
Comment: BP4

Ambry Genetics
Classification: Uncertain significance for Inborn genetic diseases. Last evaluated: 2024-11-10. Review status: criteria provided, single submitter. Criteria: Ambry Variant Classification Scheme 2023. Collection method: clinical testing. Allele origin: germline.